The following is an entry in ClinVar:

NM_170606.3(KMT2C):c.14451del (p.Leu4816_Tyr4817insTer)

Gene: KMT2C (lysine methyltransferase 2C; minus strand). Cytogenetic location: 7q36.1.
Variant type: Deletion.
Coding change: c.14451del on transcript NM_170606.3 (MANE Select); coding-DNA position 14451, one base deleted (T; older notation c.14451delT).
Protein change: p.Leu4816_Tyr4817insTer.
Molecular consequence: nonsense.
Genome position (GRCh38, 1-based): chr7:152,139,684, A deleted on the plus strand (T on the coding strand, the reverse complement: KMT2C is on the minus strand). VCF-style (leftmost placement, unchanged base first): chr7-152139683-CA-C. GRCh37 (hg19) VCF-style: chr7-151836768-CA-C.
Identifiers: ClinVar variation 4813699 (VCV004813699.1).

ClinVar aggregate classification (germline): Pathogenic (1 of 4 stars; one submission).

Conditions:
Kleefstra syndrome 2 (KLEFS2). Identifiers: MedGen C4540395, MONDO:0054701, OMIM 617768.

Submission:

Variantyx, Inc.
Classification: Pathogenic for Kleefstra syndrome 2. Last evaluated: 2025-05-27. Review status: criteria provided, single submitter. Criteria: Variantyx Assertion Criteria 2022. Collection method: clinical testing. Allele origin: germline. Inheritance: Autosomal recessive inheritance. Affected: yes.
Comment: This is a frameshift variant in the KMT2C gene (OMIM: 606833). Pathogenic variants in this gene have been associated with autosomal dominant Kleefstra syndrome 2. This variant introduces a premature termination codon in exon 56 out of 59 and is expected to result in loss of function, which is a known disease mechanism for KMT2C in this disorder (PMID: 29069077) (PVS1). This variant is absent from control populations (PM2) and has not been reported in individuals with KMT2C-related disorders in the databases available for review. Based on the current evidence, this variant is classified as pathogenic for autosomal dominant Kleefstra syndrome 2.

Literature cited by the submitters: PubMed 29069077.